The following is an entry in ClinVar:

ClinVar aggregate classification (germline): Pathogenic (1 of 4 stars; one submission).

Conditions:
Hereditary sensory and autonomic neuropathy type 6. Also called: HSAN VI; Neuropathy, hereditary sensory and autonomic, type VI. Identifiers: Orphanet 314381, MedGen C3539003, MONDO:0013839, OMIM 614653.
Epidermolysis bullosa simplex 3, localized or generalized intermediate, with BP230 deficiency (EBS3). Also called: Epidermolysis bullosa simplex due to BP230 deficiency; Epidermolysis bullosa simplex, autosomal recessive 2. Identifiers: Orphanet 412181, MedGen C3809470, MONDO:0014180, OMIM 615425.

Submission:

Labcorp Genetics (formerly Invitae), Labcorp
Classification: Pathogenic for Epidermolysis bullosa simplex 3, localized or generalized intermediate, with BP230 deficiency; Hereditary sensory and autonomic neuropathy type 6. Last evaluated: 2024-05-29. Review status: criteria provided, single submitter. Criteria: Invitae Variant Classification Sherloc (09022015). Collection method: clinical testing. Allele origin: germline.
Comment: The DST gene has multiple clinically relevant transcripts. This variant occurs in alternate transcript NM_015548.4, and corresponds to NM_001723.5:c.*41804_*41805del in the primary transcript. This sequence change creates a premature translational stop signal (p.Ser1778Tyrfs*9) in the DST gene. It is expected to result in an absent or disrupted protein product. Loss-of-function variants in DST are known to be pathogenic (PMID: 22522446, 25059916, 30371979). This variant is not present in population databases (gnomAD no frequency). This variant has not been reported in the literature in individuals affected with DST-related conditions. For these reasons, this variant has been classified as Pathogenic.

Literature cited by the submitters: PubMed 22522446; PubMed 25059916; PubMed 30371979.

NM_001374736.1(DST):c.13202_13203del (p.Ser4401fs)

Gene: DST (dystonin; minus strand). Cytogenetic location: 6p12.1.
Variant type: Microsatellite.
Coding change: c.13202_13203del on transcript NM_001374736.1 (MANE Select); coding-DNA positions 13202 to 13203, 2 bases deleted (CT; older notation c.13202_13203delCT).
Protein change: p.Ser4401fs; shifts the reading frame from serine 4401.
Molecular consequence: frameshift variant.
Genome position (GRCh38, 1-based): chr6:56,573,712-56,573,713, AG deleted on the plus strand (CT on the coding strand, the reverse complement: DST is on the minus strand); deleting any 2 consecutive bases within chr6:56,573,712-56,573,715 gives the same sequence; the c. name uses the placement nearest the transcript's 3' end. VCF-style (leftmost placement, unchanged base first): chr6-56573711-TAG-T. GRCh37 (hg19) VCF-style: chr6-56438509-TAG-T.
Other names: c.6845_6846del, p.Ser2282fs (NM_001144769.5); c.6431_6432del, p.Ser2144fs (NM_001144770.2); c.13202_13203del, p.Ser4401fs (NM_001374722.1); c.12569_12570del, p.Ser4190fs (NM_001374729.1); c.6311_6312del, p.Ser2104fs (NM_001374730.1, NM_001386100.1, NM_183380.4); c.13229_13230del, p.Ser4410fs (NM_001374734.1); c.5333_5334del, p.Ser1778fs (NM_015548.5); short protein forms S1778fs, S2104fs, S2144fs, S2282fs, S4190fs, S4401fs, S4410fs.
Identifiers: ClinVar variation 3756599 (VCV003756599.2).